The following is an entry in ClinVar:

ClinVar aggregate classification (germline): Uncertain significance (1 of 4 stars; one submission).

Submission:

Labcorp Genetics (formerly Invitae), Labcorp
Classification: Uncertain significance. Last evaluated: 2024-10-15. Review status: criteria provided, single submitter. Criteria: Invitae Variant Classification Sherloc (09022015). Collection method: clinical testing. Allele origin: germline.
Comment: This variant, c.540_542dup, is a complex sequence change that results in the insertion of 1 amino acid(s) in the ASXL2 protein (p.Gln181dup). This variant is not present in population databases (gnomAD no frequency). This variant has not been reported in the literature in individuals affected with ASXL2-related conditions. Experimental studies and prediction algorithms are not available or were not evaluated, and the functional significance of this variant is currently unknown. In summary, the available evidence is currently insufficient to determine the role of this variant in disease. Therefore, it has been classified as a Variant of Uncertain Significance.

NM_018263.6(ASXL2):c.531GCA[5] (p.Gln181dup)

Gene: ASXL2 (ASXL transcriptional regulator 2; minus strand). Cytogenetic location: 2p23.3.
Variant type: Microsatellite.
Coding change: c.531GCA[5] on transcript NM_018263.6 (MANE Select); five copies in a row of the 3-base unit GCA starting at c.531; the reference has four copies in a row; one copy, 3 bases duplicated.
Protein change: p.Gln181dup; duplicates glutamine 181.
Molecular consequence: inframe insertion. On other transcripts: 5 prime UTR variant (1).
Genome position (GRCh38, 1-based): chr2:25,768,831-25,768,833, TGC duplicated on the plus strand (GCA on the coding strand, the reverse complement: ASXL2 is on the minus strand); duplicating any 3 consecutive bases within chr2:25,768,831-25,768,843 gives the same sequence; the position shown is the placement nearest the transcript's 3' end. VCF-style (leftmost placement, unchanged base first): chr2-25768830-T-TTGC. GRCh37 (hg19) VCF-style: chr2-25991699-T-TTGC.
Other names: c.357GCA[5], p.Gln123dup (NM_001369346.1); c.-250GCA[5] (NM_001369347.1).
Identifiers: ClinVar variation 1504625 (VCV001504625.6), dbSNP rs1559505607, ClinGen allele CA2580611601.